The following is an entry in ClinVar:

ClinVar aggregate classification (germline): Uncertain significance (1 of 4 stars; one submission).

Submission:

Labcorp Genetics (formerly Invitae), Labcorp
Classification: Uncertain significance. Last evaluated: 2025-10-13. Review status: criteria provided, single submitter. Criteria: Invitae Variant Classification Sherloc (09022015). Collection method: clinical testing. Allele origin: germline.
Comment: This sequence change replaces leucine, which is neutral and non-polar, with methionine, which is neutral and non-polar, at codon 312 of the RNF13 protein (p.Leu312Met). This variant is not present in population databases (gnomAD no frequency). This missense change has been observed in individual(s) with clinical features of RNF13-related conditions (internal data). Invitae Evidence Modeling of protein sequence and biophysical properties (such as structural, functional, and spatial information, amino acid conservation, physicochemical variation, residue mobility, and thermodynamic stability) has been performed for this missense variant. However, the output from this modeling did not meet the statistical confidence thresholds required to predict the impact of this variant on RNF13 protein function. This variant disrupts the p.Leu312 amino acid residue in RNF13. Other variant(s) that disrupt this residue have been observed in individuals with RNF13-related conditions (PMID: 30595371), which suggests that this may be a clinically significant amino acid residue. In summary, the available evidence is currently insufficient to determine the role of this variant in disease. Therefore, it has been classified as a Variant of Uncertain Significance.

Literature cited by the submitters: PubMed 30595371.

NM_183381.3(RNF13):c.934C>A (p.Leu312Met)

Gene: RNF13 (ring finger protein 13; plus strand). Cytogenetic location: 3q25.1.
Variant type: single nucleotide variant.
Coding change: c.934C>A on transcript NM_183381.3 (MANE Select); coding-DNA position 934, C replaced by A.
Protein change: p.Leu312Met; replaces leucine 312 with methionine.
Molecular consequence: missense variant. On other transcripts: non-coding transcript variant (1).
Genome position (GRCh38, 1-based): chr3:149,960,892, C>A. VCF-style: chr3-149960892-C-A. GRCh37 (hg19) VCF-style: chr3-149678679-C-A.
Other names: c.934C>A, p.Leu312Met (NM_001378285.1, NM_001378286.1, NM_007282.4); c.577C>A, p.Leu193Met (NM_001378287.1, NM_001378288.1, NM_001378289.1 and 2 more transcripts); c.541C>A, p.Leu181Met (NM_001378291.1); short protein forms L181M, L193M, L312M.
Identifiers: ClinVar variation 4691063 (VCV004691063.1).